The following is an entry in ClinVar:

NM_004415.4(DSP):c.3102C>T (p.Ile1034=)

Gene: DSP (desmoplakin; plus strand). Cytogenetic location: 6p24.3.
Variant type: single nucleotide variant.
Coding change: c.3102C>T on transcript NM_004415.4 (MANE Select); coding-DNA position 3102, C replaced by T.
Protein change: p.Ile1034=; no amino-acid change (isoleucine 1034 retained).
Molecular consequence: synonymous variant.
Genome position (GRCh38, 1-based): chr6:7,579,292, C>T. VCF-style: chr6-7579292-C-T. GRCh37 (hg19) VCF-style: chr6-7579525-C-T.
Other names: p.Ile1034=; c.3102C>T (LRG_423t1); c.3102C>T, p.Ile1034= (NM_001008844.3, NM_001319034.2).
Identifiers: ClinVar variation 518651 (VCV000518651.44), dbSNP rs569974617, ClinGen allele CA037136.

ClinVar aggregate classification (germline): Conflicting classifications of pathogenicity. Review status: criteria provided, conflicting classifications (1 of 4 stars). 14 submissions from 12 submitters: Uncertain significance (3); Likely benign (10). 1 of the submissions does not count toward it. Last evaluated 2026-04-01.

Conditions:
Cardiovascular phenotype. Identifiers: MedGen CN230736.
Arrhythmogenic right ventricular dysplasia 8 (ARVD8). Also called: Arrhythmogenic Right Ventricular Dysplasia/Cardiomyopathy 8; ARRHYTHMOGENIC RIGHT VENTRICULAR DYSPLASIA, FAMILIAL, 8; ARRHYTHMOGENIC RIGHT VENTRICULAR CARDIOMYOPATHY 8. Identifiers: MedGen C1843896, MONDO:0011831, OMIM 607450.
Arrhythmogenic cardiomyopathy with wooly hair and keratoderma. Also called: Carvajal syndrome; Dilated cardiomyopathy with woolly hair and keratoderma; Arrhythmogenic cardiomyopathy with woolly hair and keratoderma; PALMOPLANTAR KERATODERMA WITH LEFT VENTRICULAR CARDIOMYOPATHY AND WOOLLY HAIR. Identifiers: Orphanet 65282, MedGen C1854063, MONDO:0011581, OMIM 605676.
DSP-related disorder. Also called: DSP-related condition; DSP-related disorders.
Cardiomyopathy (CMYO). Also called: Cardiomyopathies. Identifiers: Orphanet 167848, MedGen C0878544, MONDO:0004994, HP:0001638. Inheritance: Various modes of inheritance.
Woolly hair-skin fragility syndrome (WHSF). Identifiers: Orphanet 293165, MedGen C1843292, MONDO:0957307, OMIM 620415.
Lethal acantholytic epidermolysis bullosa (EBLA). Identifiers: Orphanet 158687, MedGen C1864826, MONDO:0012323, OMIM 609638.

Allele frequency attached by ClinVar (database versions not stated): TOPMed 0.00001; gnomAD exomes 0.00004; ExAC 0.00006; gnomAD 0.00007 and 0.00008.
gnomAD v4.1: 107 of 1,613,930 alleles (0.0066%); highest among the groups gnomAD compares: Non-Finnish European, 0.0069%; no homozygotes.

Submissions (14):

CeGaT Center for Human Genetics Tuebingen
Classification: Likely benign. Last evaluated: 2026-04-01. Review status: criteria provided, single submitter. Criteria: CeGaT Center For Human Genetics Tuebingen Variant Classification Criteria Version 2. Collection method: clinical testing. Allele origin: germline. Affected: yes. Observed: 2 variant alleles.
Comment: DSP: BP4, BP7

Labcorp Genetics (formerly Invitae), Labcorp
Classification: Likely benign for Arrhythmogenic cardiomyopathy with wooly hair and keratoderma; Arrhythmogenic right ventricular dysplasia 8. Last evaluated: 2025-11-12. Review status: criteria provided, single submitter. Criteria: Invitae Variant Classification Sherloc (09022015). Collection method: clinical testing. Allele origin: germline.

Mayo Clinic Laboratories, Mayo Clinic
Classification: Likely benign. Last evaluated: 2025-03-04. Review status: criteria provided, single submitter. Criteria: ACMG Guidelines, 2015. Collection method: clinical testing. Allele origin: germline. Observed: 1 variant allele.
Comment: BP4, BP7

Molecular Diagnostic Laboratory for Inherited Cardiovascular Disease, Montreal Heart Institute
Classification: Likely benign. Last evaluated: 2025-02-17. Review status: criteria provided, single submitter. Criteria: ACMG Guidelines, 2015. Collection method: clinical testing. Allele origin: germline. Affected: no.

Blueprint Genetics
Classification: Likely benign. Last evaluated: 2024-01-24. Review status: criteria provided, single submitter. Criteria: ACMG Guidelines, 2015. Collection method: clinical testing. Allele origin: germline.

All of Us Research Program, National Institutes of Health
Classification: Likely benign for Arrhythmogenic cardiomyopathy with wooly hair and keratoderma. Last evaluated: 2023-12-13. Review status: criteria provided, single submitter. Criteria: ACMG Guidelines, 2015. Collection method: clinical testing. Allele origin: germline. Inheritance: Autosomal dominant inheritance. Observed: 5 variant alleles, 5 heterozygotes.
Comment: This study involves interpretation of variants in research participants for the purpose of population health screening. Participant phenotype was not available at the time of variant classification. Additional details can be found in publication PMID: 35346344, PMCID: PMC8962531

GeneDx
Classification: Likely benign. Last evaluated: 2021-05-24. Review status: criteria provided, single submitter. Criteria: GeneDx Variant Classification Process June 2021. Collection method: clinical testing. Allele origin: germline. Affected: yes.
Comment: See Variant Classification Assertion Criteria.

Color Diagnostics, LLC DBA Color Health
Classification: Likely benign for Cardiomyopathy. Last evaluated: 2018-09-10. Review status: criteria provided, single submitter. Criteria: ACMG Guidelines, 2015. Collection method: clinical testing. Allele origin: germline.

CHEO Genetics Diagnostic Laboratory, Children's Hospital of Eastern Ontario
Classification: Likely benign for Cardiomyopathy. Last evaluated: 2018-03-22. Review status: criteria provided, single submitter. Criteria: ACMG Guidelines, 2015. Collection method: clinical testing. Allele origin: germline.

Illumina Laboratory Services, Illumina
Classification: Uncertain significance for Lethal acantholytic epidermolysis bullosa. Last evaluated: 2018-01-13. Review status: criteria provided, single submitter. Criteria: ICSL Variant Classification Criteria 13 December 2019. Collection method: clinical testing. Allele origin: germline.

Illumina Laboratory Services, Illumina
Classification: Uncertain significance for Arrhythmogenic right ventricular dysplasia 8. Last evaluated: 2018-01-13. Review status: criteria provided, single submitter. Criteria: ICSL Variant Classification Criteria 13 December 2019. Collection method: clinical testing. Allele origin: germline.

Illumina Laboratory Services, Illumina
Classification: Uncertain significance for Arrhythmogenic cardiomyopathy with wooly hair and keratoderma. Last evaluated: 2018-01-13. Review status: criteria provided, single submitter. Criteria: ICSL Variant Classification Criteria 13 December 2019. Collection method: clinical testing. Allele origin: germline.

Ambry Genetics
Classification: Likely benign for Cardiovascular phenotype. Last evaluated: 2017-06-16. Review status: criteria provided, single submitter. Criteria: Ambry Variant Classification Scheme 2023. Collection method: clinical testing. Allele origin: germline.

PreventionGenetics, part of Exact Sciences
Classification: Likely benign for DSP-related condition. Last evaluated: 2021-10-30. Review status: no assertion criteria provided. Collection method: clinical testing. Allele origin: germline. Not counted in ClinVar's aggregate classification.
Comment: This variant is classified as likely benign based on ACMG/AMP sequence variant interpretation guidelines (Richards et al. 2015 PMID: 25741868, with internal and published modifications).